The following is an entry in ClinVar:

ClinVar aggregate classification (germline): Uncertain significance (1 of 4 stars; one submission).

Submission:

GeneDx
Classification: Uncertain significance. Last evaluated: 2022-07-12. Review status: criteria provided, single submitter. Criteria: GeneDx Variant Classification Process June 2021. Collection method: clinical testing. Allele origin: germline. Affected: yes.
Comment: Not observed at significant frequency in large population cohorts (gnomAD); In silico analysis supports that this missense variant does not alter protein structure/function; Has not been previously published as pathogenic or benign to our knowledge

NM_001032283.3(TMPO):c.565+2434C>G

Gene: TMPO (thymopoietin; plus strand). Cytogenetic location: 12q23.1.
Variant type: single nucleotide variant.
Coding change: c.565+2434C>G on transcript NM_001032283.3 (MANE Select); 2434 bases into the intron after coding-DNA position 565, C replaced by G.
Molecular consequence: intron variant. On other transcripts: missense variant (1).
Genome position (GRCh38, 1-based): chr12:98,534,272, C>G. VCF-style: chr12-98534272-C-G. GRCh37 (hg19) VCF-style: chr12-98928050-C-G.
Other names: c.2015C>G, p.Pro672Arg (NM_003276.2); c.565+2434C>G (NM_001307975.2, NM_001032284.3); short protein forms P672R.
Identifiers: ClinVar variation 1878914 (VCV001878914.1), dbSNP rs2548505300, ClinGen allele CA386154426.